The following is an entry in ClinVar:

ClinVar aggregate classification (germline): Uncertain significance (1 of 4 stars; one submission).

Allele frequency attached by ClinVar (database versions not stated): gnomAD 0.00001; TOPMed 0.00001.
gnomAD v4.1: 1 of 1,613,606 alleles (0.000062%); highest among the groups gnomAD compares: African/African-American, 0.0013%; no homozygotes.

Submission:

Labcorp Genetics (formerly Invitae), Labcorp
Classification: Uncertain significance. Last evaluated: 2020-04-29. Review status: criteria provided, single submitter. Criteria: Invitae Variant Classification Sherloc (09022015). Collection method: clinical testing. Allele origin: germline.
Comment: In summary, the available evidence is currently insufficient to determine the role of this variant in disease. Therefore, it has been classified as a Variant of Uncertain Significance. Algorithms developed to predict the effect of missense changes on protein structure and function are either unavailable or do not agree on the potential impact of this missense change (SIFT: "Deleterious"; PolyPhen-2: "Possibly Damaging"; Align-GVGD: "Class C0"). This variant has not been reported in the literature in individuals with P3H2-related conditions. This variant is not present in population databases (ExAC no frequency). This sequence change replaces valine with leucine at codon 511 of the P3H2 protein (p.Val511Leu). The valine residue is highly conserved and there is a small physicochemical difference between valine and leucine.

NM_018192.4(P3H2):c.1531G>C (p.Val511Leu)

Gene: P3H2 (prolyl 3-hydroxylase 2; minus strand). Cytogenetic location: 3q28.
Variant type: single nucleotide variant.
Coding change: c.1531G>C on transcript NM_018192.4 (MANE Select); coding-DNA position 1531, G replaced by C.
Protein change: p.Val511Leu; replaces valine 511 with leucine.
Molecular consequence: missense variant.
Genome position (GRCh38, 1-based): chr3:189,973,926, C>G on the plus strand (G>C on the coding strand, the complement: P3H2 is on the minus strand). VCF-style: chr3-189973926-C-G. GRCh37 (hg19) VCF-style: chr3-189691715-C-G.
Other names: c.988G>C, p.Val330Leu (NM_001134418.2); short protein forms V330L, V511L.
Identifiers: ClinVar variation 1006232 (VCV001006232.5), dbSNP rs756909810, ClinGen allele CA89721804.